The following is an entry in ClinVar:

ClinVar aggregate classification (germline): Uncertain significance. Review status: criteria provided, multiple submitters, no conflicts (2 of 4 stars). 3 submissions from 3 submitters: Uncertain significance (3). Last evaluated 2023-07-25.

Conditions:
Hereditary cancer-predisposing syndrome. Also called: Hereditary neoplastic syndrome; Neoplastic Syndromes, Hereditary; Tumor predisposition; Hereditary Cancer Syndrome. Identifiers: Orphanet 140162, MedGen C0027672, MeSH D009386, MONDO:0015356.
Peutz-Jeghers syndrome (PJS). Also called: POLYPOSIS, HAMARTOMATOUS INTESTINAL; POLYPS-AND-SPOTS SYNDROME; Peutz-Jeghers polyposis; Periorificial lentiginosis syndrome. Identifiers: Orphanet 2869, MedGen C0031269, MeSH D010580, MONDO:0008280, OMIM 175200.

Allele frequency attached by ClinVar (database versions not stated): gnomAD exomes below 0.00001.
gnomAD v4.1: 1 of 1,596,696 alleles (0.000063%); highest among the groups gnomAD compares: Non-Finnish European, 0.000085%; no homozygotes.

Submissions (3):

Labcorp Genetics (formerly Invitae), Labcorp
Classification: Uncertain significance for Peutz-Jeghers syndrome. Last evaluated: 2023-07-25. Review status: criteria provided, single submitter. Criteria: Invitae Variant Classification Sherloc (09022015). Collection method: clinical testing. Allele origin: germline.
Comment: In summary, the available evidence is currently insufficient to determine the role of this variant in disease. Therefore, it has been classified as a Variant of Uncertain Significance. Advanced modeling of protein sequence and biophysical properties (such as structural, functional, and spatial information, amino acid conservation, physicochemical variation, residue mobility, and thermodynamic stability) has been performed at Invitae for this missense variant, however the output from this modeling did not meet the statistical confidence thresholds required to predict the impact of this variant on STK11 protein function. ClinVar contains an entry for this variant (Variation ID: 480702). This variant has not been reported in the literature in individuals affected with STK11-related conditions. This variant is not present in population databases (gnomAD no frequency). This sequence change replaces threonine, which is neutral and polar, with alanine, which is neutral and non-polar, at codon 209 of the STK11 protein (p.Thr209Ala).

Quest Diagnostics Nichols Institute San Juan Capistrano
Classification: Uncertain significance. Last evaluated: 2023-06-01. Review status: criteria provided, single submitter. Criteria: Quest Diagnostics criteria. Collection method: clinical testing. Allele origin: unknown.
Comment: To the best of our knowledge, this variant has not been reported in the published literature. It also has not been reported in large, multi-ethnic general populations (Genome Aggregation Database). Analysis of this variant using bioinformatics tools for the prediction of the effect of amino acid changes on protein structure and function yielded conflicting predictions that this variant is benign or damaging. Based on the available information, we are unable to determine the clinical significance of this variant.

Ambry Genetics
Classification: Uncertain significance for Hereditary cancer-predisposing syndrome. Last evaluated: 2016-04-08. Review status: criteria provided, single submitter. Criteria: Ambry Variant Classification Scheme 2023. Collection method: clinical testing. Allele origin: germline.
Comment: The p.T209A variant (also known as c.625A>G), located in coding exon 5 of the STK11 gene, results from an A to G substitution at nucleotide position 625. The threonine at codon 209 is replaced by alanine, an amino acid with similar properties. This variant was not reported in population based cohorts in the following databases: Database of Single Nucleotide Polymorphisms (dbSNP), NHLBI Exome Sequencing Project (ESP), and 1000 Genomes Project. In the ESP, this variant was not observed in 6031 samples (12062 alleles) with coverage at this position. To date, this alteration has been detected with an allele frequency of approximately 0.001% (greater than 125000 alleles tested) in our clinical cohort. This amino acid position is highly conserved in available vertebrate species. In addition, the in silico prediction for this alteration is inconclusive. Since supporting evidence is limited at this time, the clinical significance of this alteration remains unclear.

NM_000455.5(STK11):c.625A>G (p.Thr209Ala)

Gene: STK11 (serine/threonine kinase 11; plus strand). Cytogenetic location: 19p13.3.
Variant type: single nucleotide variant.
Coding change: c.625A>G on transcript NM_000455.5 (MANE Select); coding-DNA position 625, A replaced by G.
Protein change: p.Thr209Ala; replaces threonine 209 with alanine.
Molecular consequence: missense variant.
Genome position (GRCh38, 1-based): chr19:1,220,608, A>G. VCF-style: chr19-1220608-A-G. GRCh37 (hg19) VCF-style: chr19-1220607-A-G.
Other names: short protein forms T209A.
Identifiers: ClinVar variation 480702 (VCV000480702.9), dbSNP rs1555738373, ClinGen allele CA402949503.